The following is an entry in ClinVar:

NM_001256317.3(TMPRSS3):c.918C>T (p.Ala306=)

Gene: TMPRSS3 (transmembrane serine protease 3; minus strand). Cytogenetic location: 21q22.3.
Variant type: single nucleotide variant.
Coding change: c.918C>T on transcript NM_001256317.3 (MANE Select); coding-DNA position 918, C replaced by T.
Protein change: p.Ala306=; no amino-acid change (alanine 306 retained).
Molecular consequence: synonymous variant.
Genome position (GRCh38, 1-based): chr21:42,382,099, G>A on the plus strand (C>T on the coding strand, the complement: TMPRSS3 is on the minus strand). VCF-style: chr21-42382099-G-A. GRCh37 (hg19) VCF-style: chr21-43802208-G-A.
Other names: c.918C>T, p.Ala306= (NM_024022.4, NM_032405.2); c.537C>T, p.Ala179= (NM_032404.3).
Identifiers: ClinVar variation 506248 (VCV000506248.8), dbSNP rs749538864, ClinGen allele CA321543399.

ClinVar aggregate classification (germline): Likely benign. Review status: criteria provided, multiple submitters, no conflicts (2 of 4 stars). 2 submissions from 2 submitters: Likely benign (2). Last evaluated 2024-03-24.

gnomAD v4.1: 6 of 1,614,184 alleles (0.00037%); highest among the groups gnomAD compares: Non-Finnish European, 0.00051%; no homozygotes.

Submissions (2):

Labcorp Genetics (formerly Invitae), Labcorp
Classification: Likely benign. Last evaluated: 2024-03-24. Review status: criteria provided, single submitter. Criteria: Invitae Variant Classification Sherloc (09022015). Collection method: clinical testing. Allele origin: germline.

Laboratory for Molecular Medicine, Mass General Brigham Personalized Medicine
Classification: Likely benign. Last evaluated: 2017-12-14. Review status: criteria provided, single submitter. Criteria: LMM Criteria. Collection method: clinical testing. Allele origin: germline. Observed: 1 variant allele.
Comment: p.Ala306Ala in exon 9A of TMPRSS3: This variant is not expected to have clinical significance because it does not alter an amino acid residue and it is not pred icted to impact splicing. It has been identified in 2/109272 European chromosom es by the Genome Aggregation Database (gnomAD; dbSNP rs749538864). ACMG/AMP criteria applied: BP7